The following is an entry in ClinVar:

NM_001089.3(ABCA3):c.5101G>A (p.Glu1701Lys)

Gene: ABCA3 (ATP binding cassette subfamily A member 3; minus strand). Cytogenetic location: 16p13.3.
Variant type: single nucleotide variant.
Coding change: c.5101G>A on transcript NM_001089.3 (MANE Select); coding-DNA position 5101, G replaced by A.
Protein change: p.Glu1701Lys; replaces glutamic acid 1701 with lysine.
Molecular consequence: missense variant.
Genome position (GRCh38, 1-based): chr16:2,276,688, C>T on the plus strand (G>A on the coding strand, the complement: ABCA3 is on the minus strand). VCF-style: chr16-2276688-C-T. GRCh37 (hg19) VCF-style: chr16-2326689-C-T.
Other names: short protein forms E1701K.
Identifiers: ClinVar variation 227154 (VCV000227154.17), dbSNP rs139954112, ClinGen allele CA7839895.

ClinVar aggregate classification (germline): Likely benign. Review status: criteria provided, multiple submitters, no conflicts (2 of 4 stars). 5 submissions from 5 submitters: Likely benign (5). Last evaluated 2026-01-31.

Conditions:
Hereditary pulmonary alveolar proteinosis. Also called: Pulmonary surfactant metabolism dysfunction. Identifiers: Orphanet 264675, MedGen C3711368, MONDO:0012580.
Interstitial lung disease due to ABCA3 deficiency. Also called: PULMONARY ALVEOLAR PROTEINOSIS, CONGENITAL, 3. Identifiers: Orphanet 440402, MedGen C1970456, MONDO:0012582, OMIM 610921.

Allele frequency attached by ClinVar (database versions not stated): 1000 Genomes Project 30x 0.00156; 1000 Genomes Project 0.00200; gnomAD 0.00202 and 0.00217; TOPMed 0.00231; ESP Exome Variant Server 0.00254.
gnomAD v4.1: 629 of 1,613,550 alleles (0.039%); highest among the groups gnomAD compares: African/African-American, 0.76%; 2 homozygotes.

Submissions (5):

Labcorp Genetics (formerly Invitae), Labcorp
Classification: Likely benign. Last evaluated: 2026-01-31. Review status: criteria provided, single submitter. Criteria: Invitae Variant Classification Sherloc (09022015). Collection method: clinical testing. Allele origin: germline.

Fulgent Genetics
Classification: Likely benign for Interstitial lung disease due to ABCA3 deficiency. Last evaluated: 2021-11-11. Review status: criteria provided, single submitter. Criteria: ACMG Guidelines, 2015. Collection method: clinical testing. Allele origin: unknown.

Johns Hopkins Genomics, Johns Hopkins University
Classification: Likely benign for Interstitial lung disease due to ABCA3 deficiency. Last evaluated: 2019-07-06. Review status: criteria provided, single submitter. Criteria: ACMG Guidelines, 2015. Collection method: clinical testing. Allele origin: germline.

Ambry Genetics
Classification: Likely benign for Hereditary pulmonary alveolar proteinosis. Last evaluated: 2016-06-22. Review status: criteria provided, single submitter. Criteria: Ambry Variant Classification Scheme 2023. Collection method: clinical testing. Allele origin: germline.

Laboratory for Molecular Medicine, Mass General Brigham Personalized Medicine
Classification: Likely benign. Last evaluated: 2016-01-14. Review status: criteria provided, single submitter. Criteria: LMM Criteria. Collection method: clinical testing. Allele origin: germline. Observed: 1 variant allele.
Comment: p.Glu1701Lys in exon 33 of ABCA3: This variant is not expected to have clinical significance because it has been identified in 0.7% (72/10220) of African chromo somes by the Exome Aggregation Consortium (ExAC ; dbSNP rs139954112).